The following is an entry in ClinVar:

ClinVar aggregate classification (germline): Likely pathogenic (1 of 4 stars; one submission).

Conditions:
Hereditary breast ovarian cancer syndrome. Also called: Hereditary breast and ovarian cancer syndrome; Hereditary breast and ovarian cancer; Hereditary breast and ovarian cancer syndrome (HBOC); Breast and ovarian cancer; Hereditary breast and/or ovarian cancer syndrome; BRCA1- and BRCA2-Associated Hereditary Breast and Ovarian Cancer. Identifiers: Orphanet 145, MedGen C0677776, MeSH D061325, MONDO:0003582. Disease mechanism: loss of function.

Allele frequency attached by ClinVar (database versions not stated): gnomAD exomes below 0.00001.

Submission:

Laboratory for Molecular Medicine, Mass General Brigham Personalized Medicine
Classification: Likely pathogenic for Hereditary breast ovarian cancer syndrome. Last evaluated: 2019-10-14. Review status: criteria provided, single submitter. Criteria: ACMG Guidelines, 2015. Collection method: clinical testing. Allele origin: germline.
Comment: The p.Thr1388IlefsX22 variant in BRCA2 has not been previously reported in individuals with hereditary breast and/or ovarian cancer (HBOC) and was absent from large population studies. This variant is predicted to cause a frameshift, which alters the protein’s amino acid sequence beginning at position 1388 and leads to a premature termination codon 22 amino acids downstream. This alteration is then predicted to lead to a truncated or absent protein. Loss of function of the BRCA2 gene is an established disease mechanism in autosomal dominant HBOC. In summary, although additional studies are required to fully establish its clinical significance, this variant meets criteria to be classified as likely pathogenic for autosomal dominant HBOC. ACMG/AMP Criteria applied: PVS1, PM2.

NM_000059.4(BRCA2):c.4163del (p.Thr1388fs)

Gene: BRCA2 (BRCA2 DNA repair associated; plus strand). Cytogenetic location: 13q13.1.
Variant type: Deletion.
Coding change: c.4163del on transcript NM_000059.4 (MANE Select); coding-DNA position 4163, one base deleted (C; older notation c.4163delC).
Protein change: p.Thr1388fs; shifts the reading frame from threonine 1388.
Molecular consequence: frameshift variant.
Genome position (GRCh38, 1-based): chr13:32,338,518, C deleted. VCF-style (leftmost placement, unchanged base first): chr13-32338517-AC-A. GRCh37 (hg19) VCF-style: chr13-32912654-AC-A.
Other names: short protein forms T1388fs.
Identifiers: ClinVar variation 3075783 (VCV003075783.1), dbSNP rs2548527778, ClinGen allele CA1139768323.